The following is an entry in ClinVar:

ClinVar aggregate classification (germline): Uncertain significance (1 of 4 stars; one submission).

Submission:

Ambry Genetics
Classification: Uncertain significance. Last evaluated: 2024-06-06. Review status: criteria provided, single submitter. Criteria: Ambry Variant Classification Scheme 2023. Collection method: clinical testing. Allele origin: germline.
Comment: The p.G566R variant (also known as c.1696G>C), located in coding exon 11 of the POLQ gene, results from a G to C substitution at nucleotide position 1696. The glycine at codon 566 is replaced by arginine, an amino acid with dissimilar properties. This amino acid position is conserved. In addition, this alteration is predicted to be tolerated by in silico analysis. Since supporting evidence is limited at this time, the clinical significance of this alteration remains unclear.

NM_199420.4(POLQ):c.1696G>C (p.Gly566Arg)

Gene: POLQ (DNA polymerase theta; minus strand). Cytogenetic location: 3q13.33.
Variant type: single nucleotide variant.
Coding change: c.1696G>C on transcript NM_199420.4 (MANE Select); coding-DNA position 1696, G replaced by C.
Protein change: p.Gly566Arg; replaces glycine 566 with arginine.
Molecular consequence: missense variant.
Genome position (GRCh38, 1-based): chr3:121,510,159, C>G on the plus strand (G>C on the coding strand, the complement: POLQ is on the minus strand). VCF-style: chr3-121510159-C-G. GRCh37 (hg19) VCF-style: chr3-121229006-C-G.
Other names: short protein forms G566R.
Identifiers: ClinVar variation 1778238 (VCV001778238.3), dbSNP rs2048242643, ClinGen allele CA354114978.